The following is an entry in ClinVar:

NM_000059.4(BRCA2):c.5097_5098insATTTTCCTTTCCTTTCCTTTCCTTTCCTTTCCTTTCCTTTCT (p.Asp1699_Gly1700insIlePheLeuSerPheProPheLeuSerPheProPheLeuSer)

Gene: BRCA2 (BRCA2 DNA repair associated; plus strand). Cytogenetic location: 13q13.1.
Variant type: Insertion.
Coding change: c.5097_5098insATTTTCCTTTCCTTTCCTTTCCTTTCCTTTCCTTTCCTTTCT on transcript NM_000059.4 (MANE Select); coding-DNA positions 5097 to 5098, ATTTTCCTTTCCTTTCCTTTCCTTTCCTTTCCTTTCCTTTCT inserted.
Protein change: p.Asp1699_Gly1700insIlePheLeuSerPheProPheLeuSerPheProPheLeuSer.
Molecular consequence: inframe insertion. On other transcripts: inframe indel (2).
Genome position: GRCh38: chr13:32,339,452-32,339,453. GRCh37 (hg19): chr13:32,913,589-32,913,590.
Other names: c.5097_5098insATTTTCCTTTCCTTTCCTTTCCTTTCCTTTCCTTTCCTTTCT, p.Asp1699_Gly1700insIlePheLeuSerPheProPheLeuSerPheProPheLeuSer (NM_001406719.1, NM_001406720.1).
Identifiers: ClinVar variation 2071918 (VCV002071918.4), dbSNP rs2548530017, ClinGen allele CA2580087325.

ClinVar aggregate classification (germline): Uncertain significance (1 of 4 stars; one submission).

Conditions:
Hereditary breast ovarian cancer syndrome. Also called: BRCA1- and BRCA2-Associated Hereditary Breast and Ovarian Cancer; Hereditary breast and/or ovarian cancer syndrome; Hereditary breast and ovarian cancer syndrome; Hereditary breast and ovarian cancer syndrome (HBOC); Breast and ovarian cancer; Hereditary breast and ovarian cancer. Identifiers: Orphanet 145, MedGen C0677776, MeSH D061325, MONDO:0003582. Disease mechanism: loss of function.

Submission:

Labcorp Genetics (formerly Invitae), Labcorp
Classification: Uncertain significance for Hereditary breast ovarian cancer syndrome. Last evaluated: 2022-12-31. Review status: criteria provided, single submitter. Criteria: Invitae Variant Classification Sherloc (09022015). Collection method: clinical testing. Allele origin: germline.
Comment: This variant, c.5097_5098insATTTTCCTTTCCTTTCCTTTCCTTTCCTTTCCTTTCCTTTCT, results in the insertion of 14 amino acid(s) of the BRCA2 protein (p.Asp1699_Gly1700insIlePheLeuSerPheProPheLeuSerPheProPheLeuSer), but otherwise preserves the integrity of the reading frame. This variant is not present in population databases (gnomAD no frequency). This variant has not been reported in the literature in individuals affected with BRCA2-related conditions. In summary, the available evidence is currently insufficient to determine the role of this variant in disease. Therefore, it has been classified as a Variant of Uncertain Significance.